The following is an entry in ClinVar:

NM_006231.4(POLE):c.1319A>G (p.Asp440Gly)

Gene: POLE (DNA polymerase epsilon, catalytic subunit; minus strand). Cytogenetic location: 12q24.33.
Variant type: single nucleotide variant.
Coding change: c.1319A>G on transcript NM_006231.4 (MANE Select); coding-DNA position 1319, A replaced by G.
Protein change: p.Asp440Gly; replaces aspartic acid 440 with glycine.
Molecular consequence: missense variant.
Genome position (GRCh38, 1-based): chr12:132,673,615, T>C on the plus strand (A>G on the coding strand, the complement: POLE is on the minus strand). VCF-style: chr12-132673615-T-C. GRCh37 (hg19) VCF-style: chr12-133250201-T-C.
Other names: short protein forms D440G.
Identifiers: ClinVar variation 3363693 (VCV003363693.2).

ClinVar aggregate classification (germline): Uncertain significance. Review status: criteria provided, multiple submitters, no conflicts (2 of 4 stars). 2 submissions from 2 submitters: Uncertain significance (2). Last evaluated 2025-08-11.

Conditions:
Hereditary cancer-predisposing syndrome. Also called: Tumor predisposition; Neoplastic Syndromes, Hereditary; Hereditary neoplastic syndrome; Hereditary Cancer Syndrome. Identifiers: Orphanet 140162, MedGen C0027672, MeSH D009386, MONDO:0015356.

Submissions (2):

Ambry Genetics
Classification: Uncertain significance for Hereditary cancer-predisposing syndrome. Last evaluated: 2025-08-11. Review status: criteria provided, single submitter. Criteria: Ambry Variant Classification Scheme 2023. Collection method: clinical testing. Allele origin: germline.
Comment: The p.D440G variant (also known as c.1319A>G), located in coding exon 13 of the POLE gene, results from an A to G substitution at nucleotide position 1319. The aspartic acid at codon 440 is replaced by glycine, an amino acid with similar properties. This amino acid position is conserved. In addition, the in silico prediction for this alteration is inconclusive. Based on the available evidence, the clinical significance of this variant remains unclear.

GeneDx
Classification: Uncertain significance. Last evaluated: 2023-10-31. Review status: criteria provided, single submitter. Criteria: GeneDx Variant Classification Process June 2021. Collection method: clinical testing. Allele origin: germline. Affected: yes.
Comment: Not observed at significant frequency in large population cohorts (gnomAD); In silico analysis supports that this missense variant has a deleterious effect on protein structure/function; Has not been previously published as pathogenic or benign to our knowledge